The following is an entry in ClinVar:

NM_004289.7(NFE2L3):c.1504T>C (p.Leu502=)

Gene: NFE2L3 (NFE2 like bZIP transcription factor 3; plus strand). Cytogenetic location: 7p15.2.
Variant type: single nucleotide variant.
Coding change: c.1504T>C on transcript NM_004289.7 (MANE Select); coding-DNA position 1504, T replaced by C.
Protein change: p.Leu502=; no amino-acid change (leucine 502 retained).
Molecular consequence: synonymous variant.
Genome position (GRCh38, 1-based): chr7:26,185,202, T>C. VCF-style: chr7-26185202-T-C. GRCh37 (hg19) VCF-style: chr7-26224822-T-C.
Identifiers: ClinVar variation 4873256 (VCV004873256.2).

ClinVar aggregate classification (germline): Likely benign (1 of 4 stars; one submission).

gnomAD v4.1: 25 of 1,613,760 alleles (0.0015%); highest among the groups gnomAD compares: Admixed American, 0.0083%; no homozygotes.

Submission:

CeGaT Center for Human Genetics Tuebingen
Classification: Likely benign. Last evaluated: 2026-06-01. Review status: criteria provided, single submitter. Criteria: CeGaT Center For Human Genetics Tuebingen Variant Classification Criteria Version 2. Collection method: clinical testing. Allele origin: germline. Affected: yes. Observed: 1 variant allele.
Comment: NFE2L3: BP4, BP7